The following is an entry in ClinVar:

ClinVar aggregate classification (germline): Pathogenic/Likely pathogenic. Review status: criteria provided, multiple submitters, no conflicts (2 of 4 stars). 3 submissions from 3 submitters: Pathogenic (1); Likely pathogenic (2). Last evaluated 2025-05-01.

Conditions:
Noonan syndrome 2 (NS2). Identifiers: Orphanet 648, MedGen C1854469, MONDO:0011531, OMIM 605275.
LZTR1-related schwannomatosis. Also called: Schwannomatosis 2; Schwannomatosis-2, susceptibility to. Identifiers: Orphanet 93921, MedGen C3810283, MONDO:0014299, OMIM 615670.
Noonan syndrome 10 (NS10). Identifiers: Orphanet 648, MedGen C4225280, MONDO:0014693, OMIM 616564.

Submissions (3):

Labcorp Genetics (formerly Invitae), Labcorp
Classification: Pathogenic. Last evaluated: 2025-05-01. Review status: criteria provided, single submitter. Criteria: Invitae Variant Classification Sherloc (09022015). Collection method: clinical testing. Allele origin: germline.
Comment: This sequence change creates a premature translational stop signal (p.Ser35*) in the LZTR1 gene. It is expected to result in an absent or disrupted protein product. Loss-of-function variants in LZTR1 are known to be pathogenic (PMID: 24362817, 25335493, 25480913, 25795793, 29469822, 30368668, 30442762, 30442766, 30481304, 30859559). This variant is not present in population databases (gnomAD no frequency). This variant has not been reported in the literature in individuals affected with LZTR1-related conditions. ClinVar contains an entry for this variant (Variation ID: 3375822). For these reasons, this variant has been classified as Pathogenic.

GeneDx
Classification: Likely pathogenic. Last evaluated: 2024-05-08. Review status: criteria provided, single submitter. Criteria: GeneDx Variant Classification Process June 2021. Collection method: clinical testing. Allele origin: germline. Affected: yes.
Comment: Nonsense variant predicted to result in protein truncation or nonsense mediated decay in a gene for which loss of function is a known mechanism of disease; Not observed at significant frequency in large population cohorts (gnomAD); Has not been previously published as pathogenic or benign to our knowledge

Fulgent Genetics
Classification: Likely pathogenic for Noonan syndrome 2; LZTR1-related schwannomatosis; Noonan syndrome 10. Last evaluated: 2024-01-11. Review status: criteria provided, single submitter. Criteria: ACMG Guidelines, 2015. Collection method: clinical testing. Allele origin: germline.

Literature cited by the submitters: PubMed 24362817 (cited by Labcorp Genetics (formerly Invitae), Labcorp); PubMed 25335493 (cited by Labcorp Genetics (formerly Invitae), Labcorp); PubMed 25480913 (cited by Labcorp Genetics (formerly Invitae), Labcorp); PubMed 25795793 (cited by Labcorp Genetics (formerly Invitae), Labcorp); PubMed 29469822 (cited by Labcorp Genetics (formerly Invitae), Labcorp); PubMed 30368668 (cited by Labcorp Genetics (formerly Invitae), Labcorp); PubMed 30442762 (cited by Labcorp Genetics (formerly Invitae), Labcorp); PubMed 30442766 (cited by Labcorp Genetics (formerly Invitae), Labcorp); PubMed 30481304 (cited by Labcorp Genetics (formerly Invitae), Labcorp); PubMed 30859559 (cited by Labcorp Genetics (formerly Invitae), Labcorp).

NM_006767.4(LZTR1):c.104C>A (p.Ser35Ter)

Genes: LZTR1 (leucine zipper like post translational regulator 1; plus strand), LOC130067016 (ATAC-STARR-seq lymphoblastoid silent region 13504; plus strand). Cytogenetic location: 22q11.21.
Variant type: single nucleotide variant.
Coding change: c.104C>A on transcript NM_006767.4 (MANE Select); coding-DNA position 104, C replaced by A.
Protein change: p.Ser35Ter; replaces serine 35 with a stop codon.
Molecular consequence: nonsense.
Genome position (GRCh38, 1-based): chr22:20,982,475, C>A. VCF-style: chr22-20982475-C-A. GRCh37 (hg19) VCF-style: chr22-21336764-C-A.
Other names: short protein forms S35*.
Identifiers: ClinVar variation 3375822 (VCV003375822.3).